The following is an entry in ClinVar:

ClinVar aggregate classification (germline): Benign/Likely benign. Review status: criteria provided, multiple submitters, no conflicts (2 of 4 stars). 5 submissions from 5 submitters: Benign (2); Likely benign (3). Last evaluated 2025-08-25.

Conditions:
Cardiovascular phenotype. Identifiers: MedGen CN230736.
Long QT syndrome (LQTS). Identifiers: MedGen C0023976, MeSH D008133, MONDO:0002442. Disease mechanism: loss of function. Inheritance: Various modes of inheritance.
Cardiac arrhythmia, ankyrin-B-related. Also called: ANKYRIN-B SYNDROME. Identifiers: Orphanet 101016, Orphanet 768, MedGen C1970119, MONDO:0010958, OMIM 600919.

Allele frequency attached by ClinVar (database versions not stated): gnomAD exomes below 0.00001 and 0.00002; ExAC 0.00002; gnomAD 0.00005 and 0.00006; TOPMed 0.00005.
gnomAD v4.1: 14 of 1,614,020 alleles (0.00087%); highest among the groups gnomAD compares: African/African-American, 0.019%; no homozygotes.

Submissions (5):

Labcorp Genetics (formerly Invitae), Labcorp
Classification: Likely benign for Long QT syndrome. Last evaluated: 2025-08-25. Review status: criteria provided, single submitter. Criteria: Invitae Variant Classification Sherloc (09022015). Collection method: clinical testing. Allele origin: germline.

Genome-Nilou Lab
Classification: Benign for Cardiac arrhythmia, ankyrin-B-related. Last evaluated: 2021-12-05. Review status: criteria provided, single submitter. Criteria: ACMG Guidelines, 2015. Collection method: clinical testing. Allele origin: germline. Affected: no.

Ambry Genetics
Classification: Likely benign for Cardiovascular phenotype. Last evaluated: 2019-06-24. Review status: criteria provided, single submitter. Criteria: Ambry Variant Classification Scheme 2023. Collection method: clinical testing. Allele origin: germline.

GeneDx
Classification: Likely benign. Last evaluated: 2018-03-12. Review status: criteria provided, single submitter. Criteria: GeneDx Variant Classification (06012015). Collection method: clinical testing. Allele origin: germline. Affected: yes.
Comment: This variant is considered likely benign or benign based on one or more of the following criteria: it is a conservative change, it occurs at a poorly conserved position in the protein, it is predicted to be benign by multiple in silico algorithms, and/or has population frequency not consistent with disease.

Women's Health and Genetics/Laboratory Corporation of America, LabCorp
Classification: Benign. Last evaluated: 2018-02-12. Review status: criteria provided, single submitter. Criteria: LabCorp Variant Classification Summary - May 2015. Collection method: clinical testing. Allele origin: germline.
Comment: Variant summary: ANK2 c.2679A>G alters a non-conserved nucleotide resulting in a synonymous change. 4/5 computational tools predict no significant impact on normal splicing. However, these predictions have yet to be confirmed by functional studies. The variant allele was found at a frequency of 1.4e-05 in 277206 control chromosomes (gnomAD). The observed variant frequency is approximately 1.44 fold of the estimated maximal expected allele frequency for a pathogenic variant in ANK2 causing Arrhythmia phenotype (1e-05), strongly suggesting that the variant is benign. To our knowledge, no occurrence of c.2679A>G in individuals affected with Arrhythmia and no experimental evidence demonstrating its impact on protein function have been reported. One clinical diagnostic laboratory has submitted clinical-significance assessments for this variant to ClinVar after 2014 without evidence for independent evaluation. One laboratory classified the variant as likely benign. Based on the evidence outlined above, the variant was classified as benign.

NM_001148.6(ANK2):c.2679A>G (p.Gly893=)

Gene: ANK2 (ankyrin 2; plus strand). Cytogenetic location: 4q26.
Variant type: single nucleotide variant.
Coding change: c.2679A>G on transcript NM_001148.6 (MANE Select); coding-DNA position 2679, A replaced by G.
Protein change: p.Gly893=; no amino-acid change (glycine 893 retained).
Molecular consequence: synonymous variant.
Genome position (GRCh38, 1-based): chr4:113,311,385, A>G. VCF-style: chr4-113311385-A-G. GRCh37 (hg19) VCF-style: chr4-114232541-A-G.
Other names: c.2616A>G, p.Gly872= (NM_001127493.3, NM_001354239.2, NM_001354243.2 and 10 more transcripts); c.2679A>G, p.Gly893= (NM_001354225.2, NM_001354228.2, NM_001354232.2 and 6 more transcripts); c.2724A>G, p.Gly908= (NM_001354230.2, NM_001354231.2, NM_001354237.2 and 5 more transcripts); c.2580A>G, p.Gly860= (NM_001354245.2, NM_001354268.2); c.2592A>G, p.Gly864= (NM_001354249.2, NM_001354264.2, NM_001354266.2 and 10 more transcripts); c.2517A>G, p.Gly839= (NM_001354253.2, NM_001354257.2, NM_001354270.2 and 1 more transcripts); c.2493A>G, p.Gly831= (NM_001354260.2, NM_001354271.2, NM_001386151.1); c.2637A>G, p.Gly879= (NM_001354261.2, NM_001386147.1, NM_001386160.1); and 9 more.
Identifiers: ClinVar variation 457029 (VCV000457029.13), dbSNP rs766183219, ClinGen allele CA3050629.